The following is an entry in ClinVar:

NM_006265.3(RAD21):c.1757G>A (p.Arg586Gln)

Gene: RAD21 (RAD21 cohesin complex component; minus strand). Cytogenetic location: 8q24.11.
Variant type: single nucleotide variant.
Coding change: c.1757G>A on transcript NM_006265.3 (MANE Select); coding-DNA position 1757, G replaced by A.
Protein change: p.Arg586Gln; replaces arginine 586 with glutamine.
Molecular consequence: missense variant.
Genome position (GRCh38, 1-based): chr8:116,847,639, C>T on the plus strand (G>A on the coding strand, the complement: RAD21 is on the minus strand). VCF-style: chr8-116847639-C-T. GRCh37 (hg19) VCF-style: chr8-117859878-C-T.
Other names: short protein forms R586Q.
Identifiers: ClinVar variation 588998 (VCV000588998.8), dbSNP rs780692465, ClinGen allele CA4852686.
Genomic context (GRCh38, chr8:116,847,639, plus strand): 5'-TGCTTTTTAAGAACCAAGAAGCTGTAGAACTTTGCGGCAGCTTGTTTTCTGTTCGTATTT[C>T]GACATAACTCAAGCAAACTGATAGATTCAGCTCCAGTTTTAGCAAGAGCACGCTGAAATA-3'
Protein context (NP_006256.1, residues 576-596): AESISLLELC[Arg586Gln]NTNRKQAAAK

ClinVar aggregate classification (germline): Uncertain significance. Review status: criteria provided, multiple submitters, no conflicts (2 of 4 stars). 2 submissions from 2 submitters: Uncertain significance (2). Last evaluated 2023-03-27.

Conditions:
Inborn genetic diseases. Identifiers: MedGen C0950123, MeSH D030342.
Cornelia de Lange syndrome 4 (CDLS4). Also called: RAD21-Related Cornelia de Lange Syndrome; CORNELIA DE LANGE SYNDROME 4 WITH OR WITHOUT MIDLINE BRAIN DEFECTS. Identifiers: Orphanet 199, MedGen C3553517, MONDO:0013864, OMIM 614701.

Allele frequency attached by ClinVar (database versions not stated): gnomAD exomes 0.00001 and 0.00002; ExAC 0.00002; TOPMed 0.00002; gnomAD 0.00003.
gnomAD v4.1: 24 of 1,613,792 alleles (0.0015%); highest among the groups gnomAD compares: Middle Eastern, 0.016%; no homozygotes.

Submissions (2):

Labcorp Genetics (formerly Invitae), Labcorp
Classification: Uncertain significance for Cornelia de Lange syndrome 4. Last evaluated: 2023-03-27. Review status: criteria provided, single submitter. Criteria: Invitae Variant Classification Sherloc (09022015). Collection method: clinical testing. Allele origin: germline.
Comment: In summary, the available evidence is currently insufficient to determine the role of this variant in disease. Therefore, it has been classified as a Variant of Uncertain Significance. Advanced modeling of protein sequence and biophysical properties (such as structural, functional, and spatial information, amino acid conservation, physicochemical variation, residue mobility, and thermodynamic stability) performed at Invitae indicates that this missense variant is not expected to disrupt RAD21 protein function. ClinVar contains an entry for this variant (Variation ID: 588998). This variant has not been reported in the literature in individuals affected with RAD21-related conditions. This variant is present in population databases (rs780692465, gnomAD 0.006%). This sequence change replaces arginine, which is basic and polar, with glutamine, which is neutral and polar, at codon 586 of the RAD21 protein (p.Arg586Gln).

Ambry Genetics
Classification: Uncertain significance for Inborn genetic diseases. Last evaluated: 2017-05-03. Review status: criteria provided, single submitter. Criteria: Ambry Variant Classification Scheme 2023. Collection method: clinical testing. Allele origin: germline.
Comment: The p.R586Q variant (also known as c.1757G>A), located in coding exon 13 of the RAD21 gene, results from a G to A substitution at nucleotide position 1757. The arginine at codon 586 is replaced by glutamine, an amino acid with highly similar properties. This amino acid position is highly conserved in available vertebrate species. In addition, the in silico prediction for this alteration is inconclusive. Since supporting evidence is limited at this time, the clinical significance of this alteration remains unclear.